The following is an entry in ClinVar:

ClinVar aggregate classification (germline): Uncertain significance. Review status: criteria provided, multiple submitters, no conflicts (2 of 4 stars). 3 submissions from 3 submitters: Uncertain significance (3). Last evaluated 2024-06-13.

Conditions:
Charcot-Marie-Tooth disease. Also called: Charcot-Marie-Tooth Neuropathy; Charcot-Marie-Tooth Hereditary Neuropathy. Identifiers: Orphanet 166, MedGen C0007959, MONDO:0015626.

Allele frequency attached by ClinVar (database versions not stated): gnomAD exomes 0.00001; ExAC 0.00002.
gnomAD v4.1: 10 of 1,614,006 alleles (0.00062%); highest among the groups gnomAD compares: South Asian, 0.0011%; no homozygotes.

Submissions (3):

Ambry Genetics
Classification: Uncertain significance. Last evaluated: 2024-06-13. Review status: criteria provided, single submitter. Criteria: Ambry Variant Classification Scheme 2023. Collection method: clinical testing. Allele origin: germline.
Comment: The p.S1001L variant (also known as c.3002C>T), located in coding exon 27 of the KIF1B gene, results from a C to T substitution at nucleotide position 3002. The serine at codon 1001 is replaced by leucine, an amino acid with dissimilar properties. This amino acid position is not well conserved in available vertebrate species. In addition, this alteration is predicted to be tolerated by in silico analysis. The evidence for this gene-disease relationship is limited; therefore, the clinical significance of this alteration is unclear.

Breakthrough Genomics
Classification: Uncertain significance. Review status: criteria provided, single submitter. Criteria: ACMG Guidelines, 2015. Collection method: not provided. Allele origin: germline. Inheritance: Autosomal dominant inheritance. Affected: yes.

Molecular Genetics Laboratory, London Health Sciences Centre
Classification: Uncertain significance for Charcot-Marie-Tooth disease. Review status: criteria provided, single submitter. Criteria: ACMG Guidelines, 2015. Collection method: clinical testing. Allele origin: germline. Affected: yes.

NM_001365951.3(KIF1B):c.3140C>T (p.Ser1047Leu)

Gene: KIF1B (kinesin family member 1B; plus strand). Cytogenetic location: 1p36.22.
Variant type: single nucleotide variant.
Coding change: c.3140C>T on transcript NM_001365951.3 (MANE Select); coding-DNA position 3140, C replaced by T.
Protein change: p.Ser1047Leu; replaces serine 1047 with leucine.
Molecular consequence: missense variant.
Genome position (GRCh38, 1-based): chr1:10,337,084, C>T. VCF-style: chr1-10337084-C-T. GRCh37 (hg19) VCF-style: chr1-10397142-C-T.
Other names: c.3140C>T, p.Ser1047Leu (NM_001365952.1); c.3002C>T, p.Ser1001Leu (NM_015074.3); short protein forms S1001L, S1047L.
Identifiers: ClinVar variation 73019 (VCV000073019.3), dbSNP rs267597898, ClinGen allele CA581723.
Genomic context (GRCh38, chr1:10,337,084, plus strand): 5'-ATACGTTTTTATACTACTTTACCATGTATCTGCCCCTGCCTTTTTTTCAGAGTGACTTTT[C>T]GTCTGTTGCAATGACTCGTTCTGGTCTGTCCTTGGAGGAGTTGAGGATTGTGGAAGGACA-3'
Protein context (NP_001352880.1, residues 1037-1057): DNEYFNQSDF[Ser1047Leu]SVAMTRSGLS